The following is an entry in ClinVar:

ClinVar aggregate classification (germline): Pathogenic (1 of 4 stars; one submission).

Submission:

Labcorp Genetics (formerly Invitae), Labcorp
Classification: Pathogenic. Last evaluated: 2025-09-10. Review status: criteria provided, single submitter. Criteria: Invitae Variant Classification Sherloc (09022015). Collection method: clinical testing. Allele origin: germline.
Comment: This sequence change creates a premature translational stop signal (p.Leu1060Profs*88) in the MYH14 gene. It is expected to result in an absent or disrupted protein product. Loss-of-function variants in MYH14 are known to be pathogenic (PMID: 15015131, 28221712). This variant is not present in population databases (gnomAD no frequency). This variant has not been reported in the literature in individuals affected with MYH14-related conditions. For these reasons, this variant has been classified as Pathogenic.

Literature cited by the submitters: PubMed 15015131; PubMed 28221712.

NM_001145809.2(MYH14):c.3301dup (p.Leu1101fs)

Gene: MYH14 (myosin heavy chain 14; plus strand). Cytogenetic location: 19q13.33.
Variant type: Duplication.
Coding change: c.3301dup on transcript NM_001145809.2 (MANE Select); coding-DNA position 3301, one base duplicated (C; older notation c.3301dupC).
Protein change: p.Leu1101fs; shifts the reading frame from leucine 1101.
Molecular consequence: frameshift variant.
Genome position (GRCh38, 1-based): chr19:50,272,565, C duplicated; the last of 2 consecutive C bases (chr19:50,272,564-50,272,565); duplicating either gives the same sequence. VCF-style (leftmost placement, unchanged base first): chr19-50272563-G-GC. GRCh37 (hg19) VCF-style: chr19-50775820-G-GC.
Other names: c.3202dup, p.Leu1068fs (NM_001077186.2); c.3178dup, p.Leu1060fs (NM_024729.4); short protein forms L1060fs, L1068fs, L1101fs.
Identifiers: ClinVar variation 4797050 (VCV004797050.1).